The following is an entry in ClinVar:

ClinVar aggregate classification (germline): Uncertain significance. Review status: criteria provided, multiple submitters, no conflicts (2 of 4 stars). 2 submissions from 2 submitters: Uncertain significance (2). Last evaluated 2025-06-27.

Conditions:
Inborn genetic diseases. Identifiers: MedGen C0950123, MeSH D030342.

gnomAD v4.1: 6 of 1,613,196 alleles (0.00037%); highest among the groups gnomAD compares: Non-Finnish European, 0.00051%; no homozygotes.

Submissions (2):

Labcorp Genetics (formerly Invitae), Labcorp
Classification: Uncertain significance. Last evaluated: 2025-06-27. Review status: criteria provided, single submitter. Criteria: Invitae Variant Classification Sherloc (09022015). Collection method: clinical testing. Allele origin: germline.
Comment: This sequence change replaces alanine, which is neutral and non-polar, with glycine, which is neutral and non-polar, at codon 495 of the SIM1 protein (p.Ala495Gly). This variant is present in population databases (no rsID available, gnomAD 0.0009%). This missense change has been observed in individual(s) with obesity (internal data). ClinVar contains an entry for this variant (Variation ID: 3318537). An algorithm developed to predict the effect of missense changes on protein structure and function (PolyPhen-2) suggests that this variant is likely to be tolerated. In summary, the available evidence is currently insufficient to determine the role of this variant in disease. Therefore, it has been classified as a Variant of Uncertain Significance.

Ambry Genetics
Classification: Uncertain significance for Inborn genetic diseases. Last evaluated: 2024-03-19. Review status: criteria provided, single submitter. Criteria: Ambry Variant Classification Scheme 2023. Collection method: clinical testing. Allele origin: germline.

NM_005068.3(SIM1):c.1484C>G (p.Ala495Gly)

Genes: SIM1 (SIM bHLH transcription factor 1; minus strand), SIM1-AS1 (SIM1 antisense RNA 1; plus strand). Cytogenetic location: 6q16.3.
Variant type: single nucleotide variant.
Coding change: c.1484C>G on transcript NM_005068.3 (MANE Select); coding-DNA position 1484, C replaced by G.
Protein change: p.Ala495Gly; replaces alanine 495 with glycine.
Molecular consequence: missense variant. On other transcripts: non-coding transcript variant (1).
Genome position (GRCh38, 1-based): chr6:100,393,573, G>C on the plus strand (C>G on the coding strand, the complement: SIM1 is on the minus strand). VCF-style: chr6-100393573-G-C. GRCh37 (hg19) VCF-style: chr6-100841449-G-C.
Other names: c.1484C>G, p.Ala495Gly (NM_001374769.1); short protein forms A495G.
Identifiers: ClinVar variation 3318537 (VCV003318537.2).